The following is an entry in ClinVar:

ClinVar aggregate classification (germline): Likely benign (1 of 4 stars; one submission).

Submission:

GeneDx
Classification: Likely benign. Last evaluated: 2019-08-15. Review status: criteria provided, single submitter. Criteria: GeneDx Variant Classification Process June 2021. Collection method: clinical testing. Allele origin: germline. Affected: yes.
Comment: See Variant Classification Assertion Criteria.

NM_001166108.2(PALLD):c.2851-128C>A

Genes: CBR4 (carbonyl reductase 4; minus strand), PALLD (palladin, cytoskeletal associated protein; plus strand). Cytogenetic location: 4q32.3.
Variant type: single nucleotide variant.
Coding change: c.2851-128C>A on transcript NM_001166108.2 (MANE Select); 128 bases into the intron before coding-DNA position 2851, C replaced by A.
Molecular consequence: intron variant.
Genome position (GRCh38, 1-based): chr4:168,921,406, C>A. VCF-style: chr4-168921406-C-A. GRCh37 (hg19) VCF-style: chr4-169842557-C-A.
Other names: c.2800-128C>A (NM_016081.4); c.1654-128C>A (NM_001166109.2); c.1339-128C>A (NM_001166110.2); c.730-128C>A (NM_001367570.1, NM_001367568.1); c.679-128C>A (NM_001367567.1, NM_001367569.1).
Identifiers: ClinVar variation 4795506 (VCV004795506.1).